The following is an entry in ClinVar:

NM_182493.3(MYLK3):c.1243GAG[2] (p.Glu417del)

Gene: MYLK3 (myosin light chain kinase 3; minus strand). Cytogenetic location: 16q11.2.
Variant type: Microsatellite.
Coding change: c.1243GAG[2] on transcript NM_182493.3 (MANE Select); two copies in a row of the 3-base unit GAG starting at c.1243; the reference has three copies in a row; one copy, 3 bases deleted.
Protein change: p.Glu417del; deletes glutamic acid 417.
Genome position (GRCh38, 1-based): chr16:46,732,419-46,732,421, CTC deleted on the plus strand (GAG on the coding strand, the reverse complement: MYLK3 is on the minus strand); deleting any 3 consecutive bases within chr16:46,732,419-46,732,427 gives the same sequence; the position shown is the placement nearest the transcript's 3' end. VCF-style (leftmost placement, unchanged base first): chr16-46732418-GCTC-G. GRCh37 (hg19) VCF-style: chr16-46766330-GCTC-G.
Other names: c.220GAG[2], p.Glu76del (NM_001308301.1); short protein forms E76del, E417del.
Identifiers: ClinVar variation 3701124 (VCV003701124.2).

ClinVar aggregate classification (germline): Uncertain significance (1 of 4 stars; one submission).

Submission:

Labcorp Genetics (formerly Invitae), Labcorp
Classification: Uncertain significance. Last evaluated: 2026-01-12. Review status: criteria provided, single submitter. Criteria: Invitae Variant Classification Sherloc (09022015). Collection method: clinical testing. Allele origin: germline.
Comment: This variant, c.1249_1251del, results in the deletion of 1 amino acid(s) of the MYLK3 protein (p.Glu417del), but otherwise preserves the integrity of the reading frame. This variant is not present in population databases (gnomAD no frequency). This variant has not been reported in the literature in individuals affected with MYLK3-related conditions. Experimental studies and prediction algorithms are not available or were not evaluated, and the functional significance of this variant is currently unknown. In summary, the available evidence is currently insufficient to determine the role of this variant in disease. Therefore, it has been classified as a Variant of Uncertain Significance.